The following is an entry in ClinVar:

ClinVar aggregate classification (germline): Uncertain significance. Review status: criteria provided, multiple submitters, no conflicts (2 of 4 stars). 2 submissions from 2 submitters: Uncertain significance (2). Last evaluated 2024-10-02.

Conditions:
Hereditary breast ovarian cancer syndrome. Also called: Hereditary breast and ovarian cancer; BRCA1- and BRCA2-Associated Hereditary Breast and Ovarian Cancer; Hereditary breast and ovarian cancer syndrome; Breast and ovarian cancer; Hereditary breast and ovarian cancer syndrome (HBOC); Hereditary breast and/or ovarian cancer syndrome. Identifiers: Orphanet 145, MedGen C0677776, MeSH D061325, MONDO:0003582. Disease mechanism: loss of function.
Hereditary cancer-predisposing syndrome. Also called: Neoplastic Syndromes, Hereditary; Tumor predisposition; Hereditary Cancer Syndrome; Hereditary neoplastic syndrome. Identifiers: Orphanet 140162, MedGen C0027672, MeSH D009386, MONDO:0015356.

Submissions (2):

Ambry Genetics
Classification: Uncertain significance for Hereditary cancer-predisposing syndrome. Last evaluated: 2024-10-02. Review status: criteria provided, single submitter. Criteria: Ambry Variant Classification Scheme 2023. Collection method: clinical testing. Allele origin: germline.
Comment: The p.D128V variant (also known as c.383A>T), located in coding exon 3 of the BRCA2 gene, results from an A to T substitution at nucleotide position 383. The aspartic acid at codon 128 is replaced by valine, an amino acid with highly dissimilar properties. This amino acid position is poorly conserved in available vertebrate species. In addition, this alteration is predicted to be tolerated by in silico analysis. Based on the available evidence, the clinical significance of this variant remains unclear.

Labcorp Genetics (formerly Invitae), Labcorp
Classification: Uncertain significance for Hereditary breast ovarian cancer syndrome. Last evaluated: 2022-11-18. Review status: criteria provided, single submitter. Criteria: Invitae Variant Classification Sherloc (09022015). Collection method: clinical testing. Allele origin: germline.
Comment: This sequence change replaces aspartic acid, which is acidic and polar, with valine, which is neutral and non-polar, at codon 128 of the BRCA2 protein (p.Asp128Val). This variant is not present in population databases (gnomAD no frequency). This variant has not been reported in the literature in individuals affected with BRCA2-related conditions. Advanced modeling of protein sequence and biophysical properties (such as structural, functional, and spatial information, amino acid conservation, physicochemical variation, residue mobility, and thermodynamic stability) performed at Invitae indicates that this missense variant is not expected to disrupt BRCA2 protein function. In summary, the available evidence is currently insufficient to determine the role of this variant in disease. Therefore, it has been classified as a Variant of Uncertain Significance.

NM_000059.4(BRCA2):c.383A>T (p.Asp128Val)

Gene: BRCA2 (BRCA2 DNA repair associated; plus strand). Cytogenetic location: 13q13.1.
Variant type: single nucleotide variant.
Coding change: c.383A>T on transcript NM_000059.4 (MANE Select); coding-DNA position 383, A replaced by T.
Protein change: p.Asp128Val; replaces aspartic acid 128 with valine.
Molecular consequence: missense variant. On other transcripts: non-coding transcript variant (1).
Genome position (GRCh38, 1-based): chr13:32,325,142, A>T. VCF-style: chr13-32325142-A-T. GRCh37 (hg19) VCF-style: chr13-32899279-A-T.
Other names: c.383A>T, p.Asp128Val (NM_001406719.1, NM_001406720.1, NM_001406721.1); c.14A>T, p.Asp5Val (NM_001406722.1); short protein forms D128V, D5V.
Identifiers: ClinVar variation 2815147 (VCV002815147.4), dbSNP rs80358627, ClinGen allele CA387756660.